The following is an entry in ClinVar:

ClinVar aggregate classification (germline): Uncertain significance (1 of 4 stars; one submission).

Conditions:
Hereditary cancer-predisposing syndrome. Also called: Hereditary neoplastic syndrome; Tumor predisposition; Neoplastic Syndromes, Hereditary; Hereditary Cancer Syndrome. Identifiers: Orphanet 140162, MedGen C0027672, MeSH D009386, MONDO:0015356.

Allele frequency attached by ClinVar (database versions not stated): gnomAD exomes below 0.00001; ExAC 0.00001.
gnomAD v4.1: 1 of 1,613,434 alleles (0.000062%); highest among the groups gnomAD compares: East Asian, 0.0022%; no homozygotes.

Submission:

Labcorp Genetics (formerly Invitae), Labcorp
Classification: Uncertain significance for Hereditary cancer-predisposing syndrome. Last evaluated: 2021-05-26. Review status: criteria provided, single submitter. Criteria: Invitae Variant Classification Sherloc (09022015). Collection method: clinical testing. Allele origin: germline.
Comment: In summary, the available evidence is currently insufficient to determine the role of this variant in disease. Therefore, it has been classified as a Variant of Uncertain Significance. Algorithms developed to predict the effect of sequence changes on RNA splicing suggest that this variant may disrupt the consensus splice site, but this prediction has not been confirmed by published transcriptional studies. This variant has not been reported in the literature in individuals with RAD50-related conditions. This variant is present in population databases (rs769726226, ExAC 0.01%). This sequence change affects codon 841 of the RAD50 mRNA. It is a 'silent' change, meaning that it does not change the encoded amino acid sequence of the RAD50 protein.

NM_005732.4(RAD50):c.2523A>G (p.Thr841=)

Gene: RAD50 (RAD50 double strand break repair protein; plus strand). Cytogenetic location: 5q31.1.
Variant type: single nucleotide variant.
Coding change: c.2523A>G on transcript NM_005732.4 (MANE Select); coding-DNA position 2523, A replaced by G.
Protein change: p.Thr841=; no amino-acid change (threonine 841 retained).
Molecular consequence: synonymous variant.
Genome position (GRCh38, 1-based): chr5:132,604,045, A>G. VCF-style: chr5-132604045-A-G. GRCh37 (hg19) VCF-style: chr5-131939737-A-G.
Identifiers: ClinVar variation 1503417 (VCV001503417.8), dbSNP rs769726226, ClinGen allele CA3405405.